The following is an entry in ClinVar:

ClinVar aggregate classification (germline): Uncertain significance (1 of 4 stars; one submission).

Conditions:
CPE-related disorder. Also called: CPE-related condition.

gnomAD v4.1: 1 of 1,609,422 alleles (0.000062%); highest among the groups gnomAD compares: Non-Finnish European, 0.000085%; no homozygotes.

Submission:

PreventionGenetics, part of Exact Sciences
Classification: Uncertain significance for CPE-related condition. Last evaluated: 2025-10-06. Review status: criteria provided, single submitter. Criteria: ACMG Guidelines, 2015. Collection method: clinical testing. Allele origin: germline.
Comment: The CPE c.172G>A variant is predicted to result in the amino acid substitution p.Glu58Lys. To our knowledge, this variant has not been reported in the literature or in a large population database (gnomAD), indicating this variant is rare. At this time, the clinical significance of this variant is uncertain due to the absence of conclusive functional and genetic evidence.

NM_001873.4(CPE):c.172G>A (p.Glu58Lys)

Gene: CPE (carboxypeptidase E; plus strand). Cytogenetic location: 4q32.3.
Variant type: single nucleotide variant.
Coding change: c.172G>A on transcript NM_001873.4 (MANE Select); coding-DNA position 172, G replaced by A.
Protein change: p.Glu58Lys; replaces glutamic acid 58 with lysine.
Molecular consequence: missense variant.
Genome position (GRCh38, 1-based): chr4:165,379,393, G>A. VCF-style: chr4-165379393-G-A. GRCh37 (hg19) VCF-style: chr4-166300545-G-A.
Other names: short protein forms E58K.
Identifiers: ClinVar variation 4981877 (VCV004981877.1).